The following is an entry in ClinVar:

NM_001134407.3(GRIN2A):c.734C>T (p.Ser245Phe)

Gene: GRIN2A (glutamate ionotropic receptor NMDA type subunit 2A; minus strand). Cytogenetic location: 16p13.2.
Variant type: single nucleotide variant.
Coding change: c.734C>T on transcript NM_001134407.3 (MANE Select); coding-DNA position 734, C replaced by T.
Protein change: p.Ser245Phe; replaces serine 245 with phenylalanine.
Molecular consequence: missense variant.
Genome position (GRCh38, 1-based): chr16:9,938,232, G>A on the plus strand (C>T on the coding strand, the complement: GRIN2A is on the minus strand). VCF-style: chr16-9938232-G-A. GRCh37 (hg19) VCF-style: chr16-10032089-G-A.
Other names: c.734C>T, p.Ser245Phe (NM_000833.5, NM_001134408.2); short protein forms S245F.
Identifiers: ClinVar variation 3898420 (VCV003898420.7).

ClinVar aggregate classification (germline): Uncertain significance (1 of 4 stars; one submission).

Submission:

CeGaT Center for Human Genetics Tuebingen
Classification: Uncertain significance. Last evaluated: 2025-04-01. Review status: criteria provided, single submitter. Criteria: CeGaT Center For Human Genetics Tuebingen Variant Classification Criteria Version 2. Collection method: clinical testing. Allele origin: germline. Affected: yes. Observed: 1 variant allele.
Comment: GRIN2A: PM2, PP3